The following is an entry in ClinVar:

NM_001177316.2(SLC34A3):c.1351TTC[2] (p.Phe453del)

Gene: SLC34A3 (solute carrier family 34 member 3; plus strand). Cytogenetic location: 9q34.3.
Variant type: Microsatellite.
Coding change: c.1351TTC[2] on transcript NM_001177316.2 (MANE Select); two copies in a row of the 3-base unit TTC starting at c.1351; the reference has three copies in a row; one copy, 3 bases deleted.
Protein change: p.Phe453del; deletes phenylalanine 453.
Molecular consequence: inframe deletion.
Genome position (GRCh38, 1-based): chr9:137,235,973-137,235,975, TTC deleted; deleting any 3 consecutive bases within chr9:137,235,966-137,235,975 gives the same sequence; the position shown is the placement nearest the transcript's 3' end. VCF-style (leftmost placement, unchanged base first): chr9-137235965-ACTT-A. GRCh37 (hg19) VCF-style: chr9-140130417-ACTT-A.
Other names: c.1351TTC[2], p.Phe453del (NM_001177317.2, NM_080877.3); c.1357_1359delTTC (NM_001177316.2, NM_080877.2); short protein forms F453del.
Identifiers: ClinVar variation 1040697 (VCV001040697.11), dbSNP rs761662543, ClinGen allele CA5364926.

ClinVar aggregate classification (germline): Conflicting classifications of pathogenicity. Review status: criteria provided, conflicting classifications (1 of 4 stars). 5 submissions from 5 submitters: Likely pathogenic (1); Uncertain significance (4). Last evaluated 2025-10-03.

Conditions:
SLC34A3-related disorder. Also called: SLC34A3-related condition.
Autosomal recessive hypophosphatemic bone disease (HHRH). Also called: HYPERCALCIURIC RICKETS; Hypophosphatemic rickets with hypercalciuria. Identifiers: Orphanet 157215, MedGen C1853271, MONDO:0009431, OMIM 241530.

Submissions (5):

Rare Kidney Stone Consortium and the Mayo Clinic Hyperoxaluria Center, Mayo Clinic
Classification: Uncertain significance for Autosomal recessive hypophosphatemic bone disease. Last evaluated: 2025-10-03. Review status: criteria provided, single submitter. Criteria: ACMG Guidelines, 2015. Collection method: research. Allele origin: germline. Observed: 1 variant allele.
Comment: ACMG:PM2, PM4

PreventionGenetics, part of Exact Sciences
Classification: Uncertain significance for SLC34A3-related condition. Last evaluated: 2025-08-11. Review status: criteria provided, single submitter. Criteria: ACMG Guidelines, 2015. Collection method: clinical testing. Allele origin: germline.
Comment: The SLC34A3 c.1357_1359delTTC variant is predicted to result in an in-frame deletion (p.Phe453del). This variant has been reported in the compound heterozygous state in two individuals with hereditary hypophosphatemic rickets with hypercalciuria (Dasgupta et al. 2014. PubMed ID: 24700880; Dodamani et al. 2023. PubMed ID: 37981601). This variant is reported in 0.020% of alleles in individuals of European (Finnish) descent in gnomAD. Although we suspect that this variant may be pathogenic, at this time, the clinical significance of this variant is uncertain due to the absence of conclusive functional and genetic evidence.

Blueprint Genetics
Classification: Likely pathogenic for SLC34A3-related disorders. Last evaluated: 2024-10-17. Review status: criteria provided, single submitter. Criteria: ACMG Guidelines, 2015. Collection method: clinical testing. Allele origin: germline. Affected: yes. Observed: 5 variant alleles.

Labcorp Genetics (formerly Invitae), Labcorp
Classification: Uncertain significance. Last evaluated: 2022-03-29. Review status: criteria provided, single submitter. Criteria: Invitae Variant Classification Sherloc (09022015). Collection method: clinical testing. Allele origin: germline.
Comment: In summary, the available evidence is currently insufficient to determine the role of this variant in disease. Therefore, it has been classified as a Variant of Uncertain Significance. Experimental studies and prediction algorithms are not available or were not evaluated, and the functional significance of this variant is currently unknown. This variant has been observed in individual(s) with a SLC34A3-related condition (PMID: 24700880). This variant is present in population databases (rs761662543, gnomAD 0.02%). This variant, c.1357_1359del, results in the deletion of 1 amino acid(s) of the SLC34A3 protein (p.Phe453del), but otherwise preserves the integrity of the reading frame.

Fulgent Genetics
Classification: Uncertain significance for Autosomal recessive hypophosphatemic bone disease. Last evaluated: 2021-11-30. Review status: criteria provided, single submitter. Criteria: ACMG Guidelines, 2015. Collection method: clinical testing. Allele origin: unknown.

Literature cited by the submitters: PubMed 24700880 (cited by Rare Kidney Stone Consortium and the Mayo Clinic Hyperoxaluria Center, Mayo Clinic and Labcorp Genetics (formerly Invitae), Labcorp); PubMed 37981601 (cited by Rare Kidney Stone Consortium and the Mayo Clinic Hyperoxaluria Center, Mayo Clinic); PubMed 40794449 (cited by Rare Kidney Stone Consortium and the Mayo Clinic Hyperoxaluria Center, Mayo Clinic).